The following is an entry in ClinVar:

ClinVar aggregate classification (germline): Uncertain significance (1 of 4 stars; one submission).

Submission:

Ambry Genetics
Classification: Uncertain significance. Last evaluated: 2025-03-31. Review status: criteria provided, single submitter. Criteria: Ambry Variant Classification Scheme 2023. Collection method: clinical testing. Allele origin: germline.
Comment: The p.N499S variant (also known as c.1496A>G), located in coding exon 9 of the GALNT12 gene, results from an A to G substitution at nucleotide position 1496. The asparagine at codon 499 is replaced by serine, an amino acid with highly similar properties. This amino acid position is conserved. In addition, this alteration is predicted to be tolerated by in silico analysis. Based on the available evidence, the clinical significance of this variant remains unclear.

NM_024642.5(GALNT12):c.1496A>G (p.Asn499Ser)

Gene: GALNT12 (polypeptide N-acetylgalactosaminyltransferase 12; plus strand). Cytogenetic location: 9q22.33.
Variant type: single nucleotide variant.
Coding change: c.1496A>G on transcript NM_024642.5 (MANE Select); coding-DNA position 1496, A replaced by G.
Protein change: p.Asn499Ser; replaces asparagine 499 with serine.
Molecular consequence: missense variant.
Genome position (GRCh38, 1-based): chr9:98,846,014, A>G. VCF-style: chr9-98846014-A-G. GRCh37 (hg19) VCF-style: chr9-101608296-A-G.
Other names: short protein forms N499S.
Identifiers: ClinVar variation 4027999 (VCV004027999.1).